The following is an entry in ClinVar:

ClinVar aggregate classification (germline): Conflicting classifications of pathogenicity. Review status: criteria provided, conflicting classifications (1 of 4 stars). 6 submissions from 5 submitters: Uncertain significance (1); Benign (1); Likely benign (4). Last evaluated 2026-06-15.

Conditions:
Polyps, multiple and recurrent inflammatory fibroid, gastrointestinal. Identifiers: MedGen C5193005, MONDO:0008285, OMIM 175510.
Hereditary cancer-predisposing syndrome. Also called: Neoplastic Syndromes, Hereditary; Hereditary neoplastic syndrome; Hereditary Cancer Syndrome; Tumor predisposition. Identifiers: Orphanet 140162, MedGen C0027672, MeSH D009386, MONDO:0015356.
Idiopathic hypereosinophilic syndrome (HES). Identifiers: Orphanet 3260, MedGen C0206141, MONDO:0011895, OMIM 607685. Disease mechanism: gain of function.
Gastrointestinal stromal tumor. Also called: Gastrointestinal stromal tumor, somatic; Gastrointestinal stroma tumor. Identifiers: Orphanet 44890, MedGen C0238198, MeSH D046152, MONDO:0011719, OMIM 606764, HP:0100723.

Allele frequency attached by ClinVar (database versions not stated): gnomAD 0.00003 and 0.00008; TOPMed 0.00003; gnomAD exomes 0.00010 and 0.00021; ExAC 0.00026; 1000 Genomes Project 30x 0.00047; 1000 Genomes Project 0.00060.
gnomAD v4.1: 161 of 1,596,400 alleles (0.01%); highest among the groups gnomAD compares: South Asian, 0.15%; 3 homozygotes.

Submissions (6):

Myriad Genetics, Inc.
Classification: Likely benign for Polyps, multiple and recurrent inflammatory fibroid, gastrointestinal. Last evaluated: 2026-06-15. Review status: criteria provided, single submitter. Criteria: Myriad Autosomal Dominant, Autosomal Recessive and X-Linked Classification Criteria (2023). Collection method: clinical testing. Allele origin: unknown.
Comment: This variant is considered likely benign. This variant has been observed at a population frequency that is significantly greater than expected given the associated disease prevalence and penetrance.

Labcorp Genetics (formerly Invitae), Labcorp
Classification: Likely benign for Gastrointestinal stromal tumor. Last evaluated: 2026-01-28. Review status: criteria provided, single submitter. Criteria: Invitae Variant Classification Sherloc (09022015). Collection method: clinical testing. Allele origin: germline.

Sema4
Classification: Uncertain significance for Hereditary cancer-predisposing syndrome. Last evaluated: 2021-05-18. Review status: criteria provided, single submitter. Criteria: Sema4 Curation Guidelines. Collection method: curation. Allele origin: germline.
Comment: To the best of our knowledge, the PDGFRA c.1891C>T (p.P631S) variant has not been reported in individuals with PDGFRA-related disease. It was observed in 49/30614 chromosomes of the South Asian subpopulation, with no homozygotes, in the large and broad cohorts of the Genome Aggregation Database (PMID: 32461654). The variant has been reported in ClinVar (Variation ID 240319). In silico tools suggest the impact of the variant on protein function is inconclusive, though these predictions have not been confirmed by functional studies. The evidence is insufficient to meet ACMG/AMP criteria for classifying the variant as benign or pathogenic. Thus, the clinical significance of this variant is currently uncertain.

Ambry Genetics
Classification: Likely benign for Hereditary cancer-predisposing syndrome. Last evaluated: 2020-10-26. Review status: criteria provided, single submitter. Criteria: Ambry Variant Classification Scheme 2023. Collection method: clinical testing. Allele origin: germline.

Illumina Laboratory Services, Illumina
Classification: Likely benign for Gastrointestinal stromal tumor. Last evaluated: 2018-01-12. Review status: criteria provided, single submitter. Criteria: ICSL Variant Classification Criteria 13 December 2019. Collection method: clinical testing. Allele origin: germline.
Comment: This variant was observed in the ICSL laboratory as part of a predisposition screen in an ostensibly healthy population. It had not been previously curated by ICSL or reported in the Human Gene Mutation Database (HGMD: prior to June 1st, 2018), and was therefore a candidate for classification through an automated scoring system. Utilizing variant allele frequency, disease prevalence and penetrance estimates, and inheritance mode, an automated score was calculated to assess if this variant is too frequent to cause the disease. Based on the score and internal cut-off values, a variant classified as likely benign is not then subjected to further curation. The score for this variant resulted in a classification of likely benign for this disease.

Illumina Laboratory Services, Illumina
Classification: Benign for Idiopathic hypereosinophilic syndrome. Last evaluated: 2018-01-12. Review status: criteria provided, single submitter. Criteria: ICSL Variant Classification Criteria 13 December 2019. Collection method: clinical testing. Allele origin: germline.
Comment: This variant was observed in the ICSL laboratory as part of a predisposition screen in an ostensibly healthy population. It had not been previously curated by ICSL or reported in the Human Gene Mutation Database (HGMD: prior to June 1st, 2018), and was therefore a candidate for classification through an automated scoring system. Utilizing variant allele frequency, disease prevalence and penetrance estimates, and inheritance mode, an automated score was calculated to assess if this variant is too frequent to cause the disease. Based on the score and internal cut-off values, a variant classified as benign is not then subjected to further curation. The score for this variant resulted in a classification of benign for this disease.

NM_006206.6(PDGFRA):c.1891C>T (p.Pro631Ser)

Gene: PDGFRA (platelet derived growth factor receptor alpha; plus strand). Cytogenetic location: 4q12.
Variant type: single nucleotide variant.
Coding change: c.1891C>T on transcript NM_006206.6 (MANE Select); coding-DNA position 1891, C replaced by T.
Protein change: p.Pro631Ser; replaces proline 631 with serine.
Molecular consequence: missense variant.
Genome position (GRCh38, 1-based): chr4:54,277,492, C>T. VCF-style: chr4-54277492-C-T. GRCh37 (hg19) VCF-style: chr4-55143659-C-T.
Other names: c.1891C>T, p.Pro631Ser (NM_001347827.2, NM_001347829.2); c.1966C>T, p.Pro656Ser (NM_001347828.2); c.1930C>T, p.Pro644Ser (NM_001347830.2); short protein forms P631S, P656S, P644S.
Identifiers: ClinVar variation 240319 (VCV000240319.20), dbSNP rs199902153, ClinGen allele CA2922691.